The following is an entry in ClinVar:

NM_007194.4(CHEK2):c.1264A>C (p.Ser422Arg)

Gene: CHEK2 (checkpoint kinase 2; minus strand). Cytogenetic location: 22q12.1.
Variant type: single nucleotide variant.
Coding change: c.1264A>C on transcript NM_007194.4 (MANE Select); coding-DNA position 1264, A replaced by C.
Protein change: p.Ser422Arg; replaces serine 422 with arginine.
Molecular consequence: missense variant.
Genome position (GRCh38, 1-based): chr22:28,695,238, T>G on the plus strand (A>C on the coding strand, the complement: CHEK2 is on the minus strand). VCF-style: chr22-28695238-T-G. GRCh37 (hg19) VCF-style: chr22-29091226-T-G.
Other names: c.1393A>C, p.Ser465Arg (NM_001005735.3); c.601A>C, p.Ser201Arg (NM_001257387.3); c.1063A>C, p.Ser355Arg (NM_001349956.3); c.1177A>C, p.Ser393Arg (NM_145862.3); short protein forms S201R, S393R, S355R, S422R, S465R.
Identifiers: ClinVar variation 950986 (VCV000950986.10), dbSNP rs2052525092, ClinGen allele CA411096344.

ClinVar aggregate classification (germline): Uncertain significance (1 of 4 stars; one submission).

Conditions:
Familial cancer of breast. Also called: BREAST CANCER, FAMILIAL; Hereditary breast cancer; hereditary breast carcinoma. Identifiers: Orphanet 227535, MedGen C0346153, MONDO:0016419, OMIM 114480. Disease mechanism: loss of function.

Submission:

Labcorp Genetics (formerly Invitae), Labcorp
Classification: Uncertain significance for Familial cancer of breast. Last evaluated: 2024-04-02. Review status: criteria provided, single submitter. Criteria: Invitae Variant Classification Sherloc (09022015). Collection method: clinical testing. Allele origin: germline.
Comment: This sequence change replaces serine, which is neutral and polar, with arginine, which is basic and polar, at codon 422 of the CHEK2 protein (p.Ser422Arg). This variant is not present in population databases (gnomAD no frequency). This variant has not been reported in the literature in individuals affected with CHEK2-related conditions. ClinVar contains an entry for this variant (Variation ID: 950986). An algorithm developed to predict the effect of missense changes on protein structure and function (PolyPhen-2) suggests that this variant is likely to be disruptive. In summary, the available evidence is currently insufficient to determine the role of this variant in disease. Therefore, it has been classified as a Variant of Uncertain Significance.